The following is an entry in ClinVar:

NM_001040108.2(MLH3):c.2669T>A (p.Met890Lys)

Gene: MLH3 (mutL homolog 3; minus strand). Cytogenetic location: 14q24.3.
Variant type: single nucleotide variant.
Coding change: c.2669T>A on transcript NM_001040108.2 (MANE Select); coding-DNA position 2669, T replaced by A.
Protein change: p.Met890Lys; replaces methionine 890 with lysine.
Molecular consequence: missense variant.
Genome position (GRCh38, 1-based): chr14:75,046,987, A>T on the plus strand (T>A on the coding strand, the complement: MLH3 is on the minus strand). VCF-style: chr14-75046987-A-T. GRCh37 (hg19) VCF-style: chr14-75513690-A-T.
Other names: c.2669T>A, p.Met890Lys (NM_014381.3); short protein forms M890K.
Identifiers: ClinVar variation 3396716 (VCV003396716.1).

ClinVar aggregate classification (germline): Uncertain significance (1 of 4 stars; one submission).

gnomAD v4.1: 1 of 1,614,006 alleles (0.000062%); highest among the groups gnomAD compares: Non-Finnish European, 0.000085%; no homozygotes.

Submission:

Ambry Genetics
Classification: Uncertain significance. Last evaluated: 2024-09-13. Review status: criteria provided, single submitter. Criteria: Ambry Variant Classification Scheme 2023. Collection method: clinical testing. Allele origin: germline.
Comment: The p.M890K variant (also known as c.2669T>A), located in coding exon 1 of the MLH3 gene, results from a T to A substitution at nucleotide position 2669. The methionine at codon 890 is replaced by lysine, an amino acid with similar properties. This amino acid position is conserved. In addition, this alteration is predicted to be tolerated by in silico analysis. Based on the available evidence, the clinical significance of this variant remains unclear.